The following is an entry in ClinVar:

NM_000552.5(VWF):c.2306C>A (p.Pro769His)

Gene: VWF (von Willebrand factor; minus strand). Cytogenetic location: 12p13.31.
Variant type: single nucleotide variant.
Coding change: c.2306C>A on transcript NM_000552.5 (MANE Select); coding-DNA position 2306, C replaced by A.
Protein change: p.Pro769His; replaces proline 769 with histidine.
Molecular consequence: missense variant.
Genome position (GRCh38, 1-based): chr12:6,044,427, G>T on the plus strand (C>A on the coding strand, the complement: VWF is on the minus strand). VCF-style: chr12-6044427-G-T. GRCh37 (hg19) VCF-style: chr12-6153593-G-T.
Other names: short protein forms P769H.
Identifiers: ClinVar variation 1303286 (VCV001303286.2), dbSNP rs1277852868, ClinGen allele CA383522498.

ClinVar aggregate classification (germline): Uncertain significance (1 of 4 stars; one submission).

Allele frequency attached by ClinVar (database versions not stated): gnomAD exomes below 0.00001 and 0.00001.
gnomAD v4.1: 10 of 1,614,198 alleles (0.00062%); highest among the groups gnomAD compares: Non-Finnish European, 0.00085%; no homozygotes.

Submission:

GeneDx
Classification: Uncertain significance. Last evaluated: 2020-05-01. Review status: criteria provided, single submitter. Criteria: GeneDx Variant Classification Process June 2021. Collection method: clinical testing. Allele origin: germline. Affected: yes.
Comment: Not observed in large population cohorts (Lek et al., 2016); In silico analysis supports that this missense variant has a deleterious effect on protein structure/function; Has not been previously published as pathogenic or benign to our knowledge